The following is an entry in ClinVar:

NM_006035.4(CDC42BPB):c.2625G>A (p.Ala875=)

Gene: CDC42BPB (CDC42 binding protein kinase beta; minus strand). Cytogenetic location: 14q32.32.
Variant type: single nucleotide variant.
Coding change: c.2625G>A on transcript NM_006035.4 (MANE Select); coding-DNA position 2625, G replaced by A.
Protein change: p.Ala875=; no amino-acid change (alanine 875 retained).
Molecular consequence: synonymous variant.
Genome position (GRCh38, 1-based): chr14:102,964,603, C>T on the plus strand (G>A on the coding strand, the complement: CDC42BPB is on the minus strand). VCF-style: chr14-102964603-C-T. GRCh37 (hg19) VCF-style: chr14-103430940-C-T.
Identifiers: ClinVar variation 707819 (VCV000707819.18), dbSNP rs45512495, ClinGen allele CA7360994.

ClinVar aggregate classification (germline): Likely benign. Review status: criteria provided, multiple submitters, no conflicts (2 of 4 stars). 4 submissions from 4 submitters: Likely benign (4). Last evaluated 2026-09-01.

Allele frequency attached by ClinVar (database versions not stated): 1000 Genomes Project 0.00080; 1000 Genomes Project 30x 0.00094; ExAC 0.00124; gnomAD exomes 0.00124 and 0.00244; TOPMed 0.00141; gnomAD 0.00145 and 0.00148; ESP Exome Variant Server 0.00215.
gnomAD v4.1: 3,713 of 1,613,926 alleles (0.23%); highest among the groups gnomAD compares: Non-Finnish European, 0.3%; 3 homozygotes.

Submissions (4):

CeGaT Center for Human Genetics Tuebingen
Classification: Likely benign. Last evaluated: 2026-09-01. Review status: criteria provided, single submitter. Criteria: CeGaT Center For Human Genetics Tuebingen Variant Classification Criteria Version 2. Collection method: clinical testing. Allele origin: germline. Affected: yes. Observed: 6 variant alleles.
Comment: CDC42BPB: BP4, BP7

Blueprint Genetics
Classification: Likely benign. Last evaluated: 2024-10-10. Review status: criteria provided, single submitter. Criteria: ACMG Guidelines, 2015. Collection method: clinical testing. Allele origin: germline.

Labcorp Genetics (formerly Invitae), Labcorp
Classification: Likely benign. Last evaluated: 2018-11-16. Review status: criteria provided, single submitter. Criteria: Invitae Variant Classification Sherloc (09022015). Collection method: clinical testing. Allele origin: germline.

Breakthrough Genomics
Classification: Likely benign. Review status: criteria provided, single submitter. Criteria: ACMG Guidelines, 2015. Collection method: not provided. Allele origin: germline. Inheritance: Autosomal dominant inheritance. Affected: yes.